The following is an entry in ClinVar:

ClinVar aggregate classification (germline): Uncertain significance. Review status: criteria provided, multiple submitters, no conflicts (2 of 4 stars). 2 submissions from 2 submitters: Uncertain significance (2). Last evaluated 2022-10-15.

Conditions:
DICER1-related tumor predisposition. Also called: DICER1-related pleuropulmonary blastoma cancer predisposition syndrome; DICER1 syndrome. Identifiers: Orphanet 284343, MedGen C3839822, MONDO:0100216.
Hereditary cancer-predisposing syndrome. Also called: Neoplastic Syndromes, Hereditary; Hereditary Cancer Syndrome; Tumor predisposition; Hereditary neoplastic syndrome. Identifiers: Orphanet 140162, MedGen C0027672, MeSH D009386, MONDO:0015356.

Submissions (2):

Ambry Genetics
Classification: Uncertain significance for Hereditary cancer-predisposing syndrome. Last evaluated: 2022-10-15. Review status: criteria provided, single submitter. Criteria: Ambry Variant Classification Scheme 2023. Collection method: clinical testing. Allele origin: germline.
Comment: The p.G204R variant (also known as c.610G>A), located in coding exon 5 of the DICER1 gene, results from a G to A substitution at nucleotide position 610. The glycine at codon 204 is replaced by arginine, an amino acid with dissimilar properties. This amino acid position is conserved. In addition, this alteration is predicted to be deleterious by in silico analysis. Since supporting evidence is limited at this time, the clinical significance of this alteration remains unclear.

Labcorp Genetics (formerly Invitae), Labcorp
Classification: Uncertain significance for DICER1-related tumor predisposition. Last evaluated: 2021-06-29. Review status: criteria provided, single submitter. Criteria: Invitae Variant Classification Sherloc (09022015). Collection method: clinical testing. Allele origin: germline.
Comment: In summary, the available evidence is currently insufficient to determine the role of this variant in disease. Therefore, it has been classified as a Variant of Uncertain Significance. Algorithms developed to predict the effect of sequence changes on RNA splicing suggest that this variant may create or strengthen a splice site. Algorithms developed to predict the effect of missense changes on protein structure and function (SIFT, PolyPhen-2, Align-GVGD) all suggest that this variant is likely to be disruptive. This variant has not been reported in the literature in individuals affected with DICER1-related conditions. This variant is not present in population databases (ExAC no frequency). This sequence change replaces glycine with arginine at codon 204 of the DICER1 protein (p.Gly204Arg). The glycine residue is highly conserved and there is a moderate physicochemical difference between glycine and arginine.

NM_177438.3(DICER1):c.610G>A (p.Gly204Arg)

Gene: DICER1 (dicer 1, ribonuclease III; minus strand). Cytogenetic location: 14q32.13.
Variant type: single nucleotide variant.
Coding change: c.610G>A on transcript NM_177438.3 (MANE Select); coding-DNA position 610, G replaced by A.
Protein change: p.Gly204Arg; replaces glycine 204 with arginine.
Molecular consequence: missense variant.
Genome position (GRCh38, 1-based): chr14:95,129,596, C>T on the plus strand (G>A on the coding strand, the complement: DICER1 is on the minus strand). VCF-style: chr14-95129596-C-T. GRCh37 (hg19) VCF-style: chr14-95595933-C-T.
Other names: c.610G>A, p.Gly204Arg (NM_030621.4, NM_001195573.1, NM_001271282.3 and 1 more transcripts); short protein forms G204R.
Identifiers: ClinVar variation 1463676 (VCV001463676.11), dbSNP rs2140261161, ClinGen allele CA390888234.